The following is an entry in ClinVar:

ClinVar aggregate classification (germline): Uncertain significance (1 of 4 stars; one submission).

Conditions:
Peroxisome biogenesis disorder. Identifiers: Orphanet 79189, MedGen C1832200, MONDO:0019234. Disease mechanism: loss of function.

Allele frequency attached by ClinVar (database versions not stated): gnomAD 0.00001; gnomAD exomes 0.00001 and 0.00002; ExAC 0.00003.
gnomAD v4.1: 9 of 1,613,666 alleles (0.00056%); highest among the groups gnomAD compares: East Asian, 0.02%; no homozygotes.

Submission:

Labcorp Genetics (formerly Invitae), Labcorp
Classification: Uncertain significance for Peroxisome biogenesis disorder. Last evaluated: 2021-11-05. Review status: criteria provided, single submitter. Criteria: Invitae Variant Classification Sherloc (09022015). Collection method: clinical testing. Allele origin: germline.
Comment: This sequence change replaces serine, which is neutral and polar, with arginine, which is basic and polar, at codon 432 of the PEX6 protein (p.Ser432Arg). This variant is present in population databases (rs775373588, gnomAD 0.03%). This variant has not been reported in the literature in individuals affected with PEX6-related conditions. Algorithms developed to predict the effect of missense changes on protein structure and function (SIFT, PolyPhen-2, Align-GVGD) all suggest that this variant is likely to be tolerated. In summary, the available evidence is currently insufficient to determine the role of this variant in disease. Therefore, it has been classified as a Variant of Uncertain Significance.

NM_000287.4(PEX6):c.1294A>C (p.Ser432Arg)

Gene: PEX6 (peroxisomal biogenesis factor 6; minus strand). Cytogenetic location: 6p21.1.
Variant type: single nucleotide variant.
Coding change: c.1294A>C on transcript NM_000287.4 (MANE Select); coding-DNA position 1294, A replaced by C.
Protein change: p.Ser432Arg; replaces serine 432 with arginine.
Molecular consequence: missense variant. On other transcripts: non-coding transcript variant (1).
Genome position (GRCh38, 1-based): chr6:42,969,741, T>G on the plus strand (A>C on the coding strand, the complement: PEX6 is on the minus strand). VCF-style: chr6-42969741-T-G. GRCh37 (hg19) VCF-style: chr6-42937479-T-G.
Other names: c.1030A>C, p.Ser344Arg (NM_001316313.2); short protein forms S344R, S432R.
Identifiers: ClinVar variation 1500459 (VCV001500459.3), dbSNP rs775373588, ClinGen allele CA3811377.
Genomic context (GRCh38, chr6:42,969,741, plus strand): 5'-GAGGCTTCAGGACAGCACAGAGTTCAGACACCAAGGCCTCCAGGCCTGGAGGAGACAAAC[T>G]GCTCCAGAGAGTGGATTCCTCTGAAGGGAGCCATGGAACAGGGCTCAGGGTAGAACCCAC-3'
Protein context (NP_000278.3, residues 422-442): LPSEESTLWS[Ser432Arg]LSPPGLEALV